The following is an entry in ClinVar:

ClinVar aggregate classification (germline): Benign/Likely benign. Review status: criteria provided, multiple submitters, no conflicts (2 of 4 stars). 3 submissions from 3 submitters: Benign (1); Likely benign (2). Last evaluated 2022-12-01.

Conditions:
Parietal foramina 2 (PFM2). Identifiers: Orphanet 60015, MedGen C1865044, MONDO:0012309, OMIM 609597.

Allele frequency attached by ClinVar (database versions not stated): 1000 Genomes Project 0.00180; 1000 Genomes Project 30x 0.00219; TOPMed 0.00623; gnomAD 0.00632 and 0.00637; gnomAD exomes 0.00758.

Submissions (3):

CeGaT Center for Human Genetics Tuebingen
Classification: Benign. Last evaluated: 2022-12-01. Review status: criteria provided, single submitter. Criteria: CeGaT Center For Human Genetics Tuebingen Variant Classification Criteria Version 2. Collection method: clinical testing. Allele origin: germline. Affected: yes. Observed: 1 variant allele.
Comment: ALX4: BS1, BS2

Illumina Laboratory Services, Illumina
Classification: Likely benign for Parietal foramina 2. Last evaluated: 2018-01-12. Review status: criteria provided, single submitter. Criteria: ICSL Variant Classification Criteria 13 December 2019. Collection method: clinical testing. Allele origin: germline.
Comment: This variant was observed in the ICSL laboratory as part of a predisposition screen in an ostensibly healthy population. It had not been previously curated by ICSL or reported in the Human Gene Mutation Database (HGMD: prior to June 1st, 2018), and was therefore a candidate for classification through an automated scoring system. Utilizing variant allele frequency, disease prevalence and penetrance estimates, and inheritance mode, an automated score was calculated to assess if this variant is too frequent to cause the disease. Based on the score and internal cut-off values, a variant classified as likely benign is not then subjected to further curation. The score for this variant resulted in a classification of likely benign for this disease.

Breakthrough Genomics
Classification: Likely benign. Review status: criteria provided, single submitter. Criteria: ACMG Guidelines, 2015. Collection method: not provided. Allele origin: germline. Inheritance: Autosomal recessive inheritance. Affected: yes.

NM_021926.4(ALX4):c.*290T>C

Gene: ALX4 (ALX homeobox 4; minus strand). Cytogenetic location: 11p11.2.
Variant type: single nucleotide variant.
Coding change: c.*290T>C on transcript NM_021926.4 (MANE Select); 290 bases downstream of the stop codon, T replaced by C.
Molecular consequence: 3 prime UTR variant.
Genome position (GRCh38, 1-based): chr11:44,264,564, A>G on the plus strand (T>C on the coding strand, the complement: ALX4 is on the minus strand). VCF-style: chr11-44264564-A-G. GRCh37 (hg19) VCF-style: chr11-44286114-A-G.
Other names: c.*290T>C (LRG_1256t1).
Identifiers: ClinVar variation 304691 (VCV000304691.30), dbSNP rs7128671, ClinGen allele CA10639124.